The following is an entry in ClinVar:

ClinVar aggregate classification (germline): Uncertain significance (1 of 4 stars; one submission).

Conditions:
Hereditary cancer-predisposing syndrome. Also called: Tumor predisposition; Hereditary neoplastic syndrome; Neoplastic Syndromes, Hereditary; Hereditary Cancer Syndrome. Identifiers: Orphanet 140162, MedGen C0027672, MeSH D009386, MONDO:0015356.

Submission:

Ambry Genetics
Classification: Uncertain significance for Hereditary cancer-predisposing syndrome. Last evaluated: 2019-12-17. Review status: criteria provided, single submitter. Criteria: Ambry Variant Classification Scheme 2023. Collection method: clinical testing. Allele origin: germline.
Comment: The p.E420V variant (also known as c.1259A>T), located in coding exon 7 of the DICER1 gene, results from an A to T substitution at nucleotide position 1259. The glutamic acid at codon 420 is replaced by valine, an amino acid with dissimilar properties. This amino acid position is well conserved in available vertebrate species. In addition, this alteration is predicted to be tolerated by in silico analysis. Since supporting evidence is limited at this time, the clinical significance of this alteration remains unclear.

NM_177438.3(DICER1):c.1259A>T (p.Glu420Val)

Gene: DICER1 (dicer 1, ribonuclease III; minus strand). Cytogenetic location: 14q32.13.
Variant type: single nucleotide variant.
Coding change: c.1259A>T on transcript NM_177438.3 (MANE Select); coding-DNA position 1259, A replaced by T.
Protein change: p.Glu420Val; replaces glutamic acid 420 with valine.
Molecular consequence: missense variant.
Genome position (GRCh38, 1-based): chr14:95,124,313, T>A on the plus strand (A>T on the coding strand, the complement: DICER1 is on the minus strand). VCF-style: chr14-95124313-T-A. GRCh37 (hg19) VCF-style: chr14-95590650-T-A.
Other names: c.1259A>T, p.Glu420Val (NM_030621.4, NM_001271282.3, NM_001291628.2 and 1 more transcripts); short protein forms E420V.
Identifiers: ClinVar variation 818727 (VCV000818727.4), dbSNP rs1280386879, ClinGen allele CA390886457.